The following is an entry in ClinVar:

NM_030665.4(RAI1):c.406G>A (p.Ala136Thr)

Gene: RAI1 (retinoic acid induced 1; plus strand). Cytogenetic location: 17p11.2.
Variant type: single nucleotide variant.
Coding change: c.406G>A on transcript NM_030665.4 (MANE Select); coding-DNA position 406, G replaced by A.
Protein change: p.Ala136Thr; replaces alanine 136 with threonine.
Molecular consequence: missense variant.
Genome position (GRCh38, 1-based): chr17:17,793,354, G>A. VCF-style: chr17-17793354-G-A. GRCh37 (hg19) VCF-style: chr17-17696668-G-A.
Other names: short protein forms A136T.
Identifiers: ClinVar variation 3676288 (VCV003676288.2).

ClinVar aggregate classification (germline): Uncertain significance (1 of 4 stars; one submission).

gnomAD v4.1: 5 of 1,613,018 alleles (0.00031%); highest among the groups gnomAD compares: Non-Finnish European, 0.00034%; no homozygotes.

Submission:

Labcorp Genetics (formerly Invitae), Labcorp
Classification: Uncertain significance. Last evaluated: 2024-07-03. Review status: criteria provided, single submitter. Criteria: Invitae Variant Classification Sherloc (09022015). Collection method: clinical testing. Allele origin: germline.
Comment: This sequence change replaces alanine, which is neutral and non-polar, with threonine, which is neutral and polar, at codon 136 of the RAI1 protein (p.Ala136Thr). This variant is present in population databases (rs773438062, gnomAD 0.002%). This variant has not been reported in the literature in individuals affected with RAI1-related conditions. Advanced modeling of protein sequence and biophysical properties (such as structural, functional, and spatial information, amino acid conservation, physicochemical variation, residue mobility, and thermodynamic stability) performed at Invitae indicates that this missense variant is not expected to disrupt RAI1 protein function with a negative predictive value of 80%. In summary, the available evidence is currently insufficient to determine the role of this variant in disease. Therefore, it has been classified as a Variant of Uncertain Significance.